The following is an entry in ClinVar:

ClinVar aggregate classification (germline): Likely pathogenic (1 of 4 stars; one submission).

Conditions:
Mucopolysaccharidosis, MPS-III-B (MPS3B). Also called: N-ACETYL-ALPHA-D-GLUCOSAMINIDASE DEFICIENCY; NAGLU DEFICIENCY; SANFILIPPO SYNDROME B; MPS III B; MUCOPOLYSACCHARIDOSIS, TYPE IIIB; Mucopolysaccharidosis type IIIB (Sanfilippo B). Identifiers: Orphanet 79270, MedGen C0086648, MONDO:0009656, OMIM 252920.

Submission:

Foundation for Research in Genetics and Endocrinology, FRIGE's Institute of Human Genetics
Classification: Likely pathogenic for Mucopolysaccharidosis, MPS-III-B. Last evaluated: 2025-09-30. Review status: criteria provided, single submitter. Criteria: ACMG Guidelines, 2015. Collection method: clinical testing. Allele origin: germline. Inheritance: Autosomal recessive inheritance. Affected: yes. Observed: 1 variant allele, 1 homozygote.
Comment: The presence of a homozygous deletion, chr17:g(_40689416)_(40690503_?)del, encompassing exons 2-3 of the NAGLU gene was detected. This variant has not been reported in the gnomAD database. A deletion encompassing this region has previously been reported as pathogenic in the ClinVar database. In summary, the variant meets our criteria to be classified as likely pathogenic.

NC_000017.10:g.(?_40689416)_(40690503_?)del

Gene: NAGLU (N-acetyl-alpha-glucosaminidase; plus strand). Cytogenetic location: 17q21.2.
Variant type: Deletion.
Identifiers: ClinVar variation 4886976 (VCV004886976.1).